The following is an entry in ClinVar:

NM_001136193.2(FASTKD2):c.-162C>T

Genes: FASTKD2 (FAST kinase domains 2; plus strand), LOC129935479 (ATAC-STARR-seq lymphoblastoid active region 17028; plus strand). Cytogenetic location: 2q33.3.
Variant type: single nucleotide variant.
Coding change: c.-162C>T on transcript NM_001136193.2 (MANE Select); 162 bases upstream of the start codon, C replaced by T.
Molecular consequence: 5 prime UTR variant.
Genome position (GRCh38, 1-based): chr2:206,765,636, C>T. VCF-style: chr2-206765636-C-T. GRCh37 (hg19) VCF-style: chr2-207630360-C-T.
Other names: c.-177C>T (NM_001136194.2); c.-69C>T (NM_014929.4).
Identifiers: ClinVar variation 137297 (VCV000137297.5), dbSNP rs16838842, ClinGen allele CA290853.
Genomic context (GRCh38, chr2:206,765,636, plus strand): 5'-AAGATCTCGTGAGAAGCGCAGCTTCTCGGGGAAGCTGTCATGGCTGCTCCTGTACGTAGT[C>T]ACGGTCTTGTGCTCTAAGGTGAGTGGAGGACGAGCTTGGGCTTAGCGGCAGCCCGTATCA-3'

ClinVar aggregate classification (germline): Benign/Likely benign. Review status: criteria provided, multiple submitters, no conflicts (2 of 4 stars). 2 submissions from 2 submitters: Benign (1); Likely benign (1). Last evaluated 2018-01-13.

Conditions:
Mitochondrial complex IV deficiency, nuclear type 1 (MC4DN1). Also called: Mitochondrial complex IV deficiency; Complex 4 mitochondrial respiratory chain deficiency; Deficiency of mitochondrial respiratory chain complex4; Complex IV deficiency; COX DEFICIENCY. Identifiers: MedGen C5435656, MONDO:0700250, OMIM 220110. Disease mechanism: loss of function.

Allele frequency attached by ClinVar (database versions not stated): gnomAD exomes 0.00066; gnomAD 0.00935 and 0.00997; 1000 Genomes Project 0.01038; TOPMed 0.01039; 1000 Genomes Project 30x 0.01093.
gnomAD v4.1: 1,784 of 682,342 alleles (0.26%); highest among the groups gnomAD compares: African/African-American, 3.2%; 35 homozygotes.

Submissions (2):

Illumina Laboratory Services, Illumina
Classification: Likely benign for Mitochondrial complex IV deficiency, nuclear type 1. Last evaluated: 2018-01-13. Review status: criteria provided, single submitter. Criteria: ICSL Variant Classification Criteria 13 December 2019. Collection method: clinical testing. Allele origin: germline.
Comment: This variant was observed in the ICSL laboratory as part of a predisposition screen in an ostensibly healthy population. It had not been previously curated by ICSL or reported in the Human Gene Mutation Database (HGMD: prior to June 1st, 2018), and was therefore a candidate for classification through an automated scoring system. Utilizing variant allele frequency, disease prevalence and penetrance estimates, and inheritance mode, an automated score was calculated to assess if this variant is too frequent to cause the disease. Based on the score and internal cut-off values, a variant classified as likely benign is not then subjected to further curation. The score for this variant resulted in a classification of likely benign for this disease.

GeneDx
Classification: Benign. Last evaluated: 2013-01-25. Review status: criteria provided, single submitter. Criteria: GeneDx Variant Classification (06012015). Collection method: clinical testing. Allele origin: germline. Affected: yes.
Comment: This variant is considered likely benign or benign based on one or more of the following criteria: it is a conservative change, it occurs at a poorly conserved position in the protein, it is predicted to be benign by multiple in silico algorithms, and/or has population frequency not consistent with disease.